The following is an entry in ClinVar:

ClinVar aggregate classification (germline): Uncertain significance. Review status: criteria provided, multiple submitters, no conflicts (2 of 4 stars). 2 submissions from 2 submitters: Uncertain significance (2). Last evaluated 2025-03-02.

Conditions:
Walker-Warburg congenital muscular dystrophy. Also called: Muscular dystrophy-dystroglycanopathy, type A; Walker-Warburg syndrome. Identifiers: Orphanet 899, MedGen C0265221, MONDO:0000171.
Cardiovascular phenotype. Identifiers: MedGen CN230736.

Allele frequency attached by ClinVar (database versions not stated): gnomAD exomes below 0.00001; gnomAD 0.00001; TOPMed 0.00001.
gnomAD v4.1: 7 of 1,572,816 alleles (0.00045%); highest among the groups gnomAD compares: Non-Finnish European, 0.0006%; no homozygotes.

Submissions (2):

Ambry Genetics
Classification: Uncertain significance for Cardiovascular phenotype. Last evaluated: 2025-03-02. Review status: criteria provided, single submitter. Criteria: Ambry Variant Classification Scheme 2023. Collection method: clinical testing. Allele origin: germline.
Comment: The p.A92S variant (also known as c.274G>T), located in coding exon 1 of the FKRP gene, results from a G to T substitution at nucleotide position 274. The alanine at codon 92 is replaced by serine, an amino acid with similar properties. This amino acid position is conserved. In addition, this alteration is predicted to be tolerated by in silico analysis. Based on the available evidence, the clinical significance of this variant remains unclear.

Labcorp Genetics (formerly Invitae), Labcorp
Classification: Uncertain significance for Walker-Warburg congenital muscular dystrophy. Last evaluated: 2021-12-15. Review status: criteria provided, single submitter. Criteria: Invitae Variant Classification Sherloc (09022015). Collection method: clinical testing. Allele origin: germline.
Comment: This sequence change replaces alanine, which is neutral and non-polar, with serine, which is neutral and polar, at codon 92 of the FKRP protein (p.Ala92Ser). This variant is present in population databases (no rsID available, gnomAD 0.007%). This variant has not been reported in the literature in individuals affected with FKRP-related conditions. ClinVar contains an entry for this variant (Variation ID: 1046035). Algorithms developed to predict the effect of missense changes on protein structure and function (SIFT, PolyPhen-2, Align-GVGD) all suggest that this variant is likely to be tolerated. In summary, the available evidence is currently insufficient to determine the role of this variant in disease. Therefore, it has been classified as a Variant of Uncertain Significance.

NM_024301.5(FKRP):c.274G>T (p.Ala92Ser)

Gene: FKRP (fukutin related protein; plus strand). Cytogenetic location: 19q13.32.
Variant type: single nucleotide variant.
Coding change: c.274G>T on transcript NM_024301.5 (MANE Select); coding-DNA position 274, G replaced by T.
Protein change: p.Ala92Ser; replaces alanine 92 with serine.
Molecular consequence: missense variant.
Genome position (GRCh38, 1-based): chr19:46,755,724, G>T. VCF-style: chr19-46755724-G-T. GRCh37 (hg19) VCF-style: chr19-47258981-G-T.
Other names: c.274G>T, p.Ala92Ser (NM_001039885.3); c.274G>T (NM_024301.4); short protein forms A92S.
Identifiers: ClinVar variation 1046035 (VCV001046035.5), dbSNP rs1232466626, ClinGen allele CA406495010.